The following is an entry in ClinVar:

ClinVar aggregate classification (germline): Uncertain significance (1 of 4 stars; one submission).

Submission:

Labcorp Genetics (formerly Invitae), Labcorp
Classification: Uncertain significance. Last evaluated: 2022-06-22. Review status: criteria provided, single submitter. Criteria: Invitae Variant Classification Sherloc (09022015). Collection method: clinical testing. Allele origin: germline.
Comment: This variant has not been reported in the literature in individuals affected with EYS-related conditions. This sequence change replaces aspartic acid, which is acidic and polar, with glycine, which is neutral and non-polar, at codon 683 of the EYS protein (p.Asp683Gly). This variant is not present in population databases (gnomAD no frequency). Algorithms developed to predict the effect of missense changes on protein structure and function are either unavailable or do not agree on the potential impact of this missense change (SIFT: "Deleterious"; PolyPhen-2: "Benign"; Align-GVGD: "Class C65"). Algorithms developed to predict the effect of sequence changes on RNA splicing suggest that this variant may disrupt the consensus splice site. In summary, the available evidence is currently insufficient to determine the role of this variant in disease. Therefore, it has been classified as a Variant of Uncertain Significance.

NM_001142800.2(EYS):c.2048A>G (p.Asp683Gly)

Gene: EYS (EGF-like photoreceptor maintenance factor; minus strand). Cytogenetic location: 6q12.
Variant type: single nucleotide variant.
Coding change: c.2048A>G on transcript NM_001142800.2 (MANE Select); coding-DNA position 2048, A replaced by G.
Protein change: p.Asp683Gly; replaces aspartic acid 683 with glycine.
Molecular consequence: missense variant.
Genome position (GRCh38, 1-based): chr6:65,057,703, T>C on the plus strand (A>G on the coding strand, the complement: EYS is on the minus strand). VCF-style: chr6-65057703-T-C. GRCh37 (hg19) VCF-style: chr6-65767596-T-C.
Other names: c.2048A>G, p.Asp683Gly (NM_001292009.2); short protein forms D683G.
Identifiers: ClinVar variation 2110869 (VCV002110869.4), dbSNP rs2533709754, ClinGen allele CA364787720.